The following is an entry in ClinVar:

NM_001370259.2(MEN1):c.1406A>C (p.Glu469Ala)

Gene: MEN1 (menin 1; minus strand). Cytogenetic location: 11q13.1.
Variant type: single nucleotide variant.
Coding change: c.1406A>C on transcript NM_001370259.2 (MANE Select); coding-DNA position 1406, A replaced by C.
Protein change: p.Glu469Ala; replaces glutamic acid 469 with alanine.
Molecular consequence: missense variant.
Genome position (GRCh38, 1-based): chr11:64,804,761, T>G on the plus strand (A>C on the coding strand, the complement: MEN1 is on the minus strand). VCF-style: chr11-64804761-T-G. GRCh37 (hg19) VCF-style: chr11-64572233-T-G.
Other names: c.1532A>C, p.Glu511Ala (NM_001370251.2); c.1406A>C, p.Glu469Ala (NM_001370260.2, NM_001370261.2, NM_130799.3); c.1301A>C, p.Glu434Ala (NM_001370262.2, NM_001370263.2); c.1421A>C, p.Glu474Ala (NM_130800.3, NM_130801.3, NM_130802.3 and 3 more transcripts); short protein forms E474A, E469A, E434A, E511A.
Identifiers: ClinVar variation 584769 (VCV000584769.13), dbSNP rs1565638407, ClinGen allele CA381179587.

ClinVar aggregate classification (germline): Uncertain significance. Review status: criteria provided, multiple submitters, no conflicts (2 of 4 stars). 3 submissions from 3 submitters: Uncertain significance (3). Last evaluated 2024-10-21.

Conditions:
Multiple endocrine neoplasia, type 1 (MEN1). Also called: MEN I; WERMER SYNDROME; Endocrine adenomatosis multiple; MEN 1; MEA I. Identifiers: Orphanet 652, MedGen C0025267, MeSH D018761, MONDO:0007540, OMIM 131100.
Hereditary cancer-predisposing syndrome. Also called: Neoplastic Syndromes, Hereditary; Hereditary Cancer Syndrome; Tumor predisposition; Hereditary neoplastic syndrome. Identifiers: Orphanet 140162, MedGen C0027672, MeSH D009386, MONDO:0015356.

Submissions (3):

Ambry Genetics
Classification: Uncertain significance for Hereditary cancer-predisposing syndrome. Last evaluated: 2024-10-21. Review status: criteria provided, single submitter. Criteria: Ambry Variant Classification Scheme 2023. Collection method: clinical testing. Allele origin: germline.
Comment: The p.E469A variant (also known as c.1406A>C), located in coding exon 9 of the MEN1 gene, results from an A to C substitution at nucleotide position 1406. The glutamic acid at codon 469 is replaced by alanine, an amino acid with dissimilar properties. This amino acid position is conserved. In addition, the in silico prediction for this alteration is inconclusive. Since supporting evidence is limited at this time, the clinical significance of this alteration remains unclear.

Labcorp Genetics (formerly Invitae), Labcorp
Classification: Uncertain significance for Multiple endocrine neoplasia, type 1. Last evaluated: 2024-04-29. Review status: criteria provided, single submitter. Criteria: Invitae Variant Classification Sherloc (09022015). Collection method: clinical testing. Allele origin: germline.
Comment: This sequence change replaces glutamic acid, which is acidic and polar, with alanine, which is neutral and non-polar, at codon 469 of the MEN1 protein (p.Glu469Ala). This variant is not present in population databases (gnomAD no frequency). This variant has not been reported in the literature in individuals affected with MEN1-related conditions. ClinVar contains an entry for this variant (Variation ID: 584769). Advanced modeling of protein sequence and biophysical properties (such as structural, functional, and spatial information, amino acid conservation, physicochemical variation, residue mobility, and thermodynamic stability) has been performed at Invitae for this missense variant, however the output from this modeling did not meet the statistical confidence thresholds required to predict the impact of this variant on MEN1 protein function. In summary, the available evidence is currently insufficient to determine the role of this variant in disease. Therefore, it has been classified as a Variant of Uncertain Significance.

Mendelics
Classification: Uncertain significance for Multiple endocrine neoplasia, type 1. Last evaluated: 2018-07-02. Review status: criteria provided, single submitter. Criteria: Mendelics Assertion Criteria 2017. Collection method: clinical testing. Allele origin: unknown.